The following is an entry in ClinVar:

NM_001079872.2(CUL4B):c.2546A>G (p.Asn849Ser)

Gene: CUL4B (cullin 4B; minus strand). Cytogenetic location: Xq24.
Variant type: single nucleotide variant.
Coding change: c.2546A>G on transcript NM_001079872.2 (MANE Select); coding-DNA position 2546, A replaced by G.
Protein change: p.Asn849Ser; replaces asparagine 849 with serine.
Molecular consequence: missense variant.
Genome position (GRCh38, 1-based): chrX:120,530,148, T>C on the plus strand (A>G on the coding strand, the complement: CUL4B is on the minus strand). VCF-style: chrX-120530148-T-C. GRCh37 (hg19) VCF-style: chrX-119664003-T-C.
Other names: c.2561A>G, p.Asn854Ser (NM_001330624.2); c.2012A>G, p.Asn671Ser (NM_001369145.1); c.2600A>G, p.Asn867Ser (NM_003588.4); short protein forms N671S, N867S, N849S, N854S.
Identifiers: ClinVar variation 4978690 (VCV004978690.1).
Genomic context (GRCh38, chrX:120,530,148, plus strand): 5'-ACAGAAGTACCTACCTTTACTGGAAATTTCAACTGGTTGTACACTTCTGAAACAAGGAGA[T>C]TGTGGCTAAGTGTCTTTCTCATCTTCATAATTCGAACAATTGCAGCATCAATTTGATACT-3'
Protein context (NP_001073341.1, residues 839-859): IMKMRKTLSH[Asn849Ser]LLVSEVYNQL

ClinVar aggregate classification (germline): Uncertain significance (1 of 4 stars; one submission).

Conditions:
CUL4B-related disorder. Also called: CUL4B-related condition.

Submission:

PreventionGenetics, part of Exact Sciences
Classification: Uncertain significance for CUL4B-related condition. Last evaluated: 2026-01-16. Review status: criteria provided, single submitter. Criteria: ACMG Guidelines, 2015. Collection method: clinical testing. Allele origin: germline.
Comment: The CUL4B c.2600A>G variant is predicted to result in the amino acid substitution p.Asn867Ser. To our knowledge, this variant has not been reported in the literature. This variant is reported in 0.0072% of alleles in individuals of East Asian descent in gnomAD. At this time, the clinical significance of this variant is uncertain due to the absence of conclusive functional and genetic evidence.